The following is an entry in ClinVar:

ClinVar aggregate classification (germline): Uncertain significance (1 of 4 stars; one submission).

Conditions:
Inborn genetic diseases. Identifiers: MedGen C0950123, MeSH D030342.

Submission:

Ambry Genetics
Classification: Uncertain significance for Inborn genetic diseases. Last evaluated: 2025-11-23. Review status: criteria provided, single submitter. Criteria: Ambry Variant Classification Scheme 2023. Collection method: clinical testing. Allele origin: germline.
Comment: The p.V269I variant (also known as c.805G>A), located in coding exon 5 of the ERCC6L2 gene, results from a G to A substitution at nucleotide position 805. The valine at codon 269 is replaced by isoleucine, an amino acid with highly similar properties. This amino acid position is conserved. In addition, this alteration is predicted to be tolerated by in silico analysis. Based on the available evidence, the clinical significance of this variant remains unclear.

NM_020207.7(ERCC6L2):c.805G>A (p.Val269Ile)

Gene: ERCC6L2 (ERCC excision repair 6 like 2; plus strand). Cytogenetic location: 9q22.32.
Variant type: single nucleotide variant.
Coding change: c.805G>A on transcript NM_020207.7 (MANE Select); coding-DNA position 805, G replaced by A.
Protein change: p.Val269Ile; replaces valine 269 with isoleucine.
Molecular consequence: missense variant. On other transcripts: non-coding transcript variant (1).
Genome position (GRCh38, 1-based): chr9:95,915,684, G>A. VCF-style: chr9-95915684-G-A. GRCh37 (hg19) VCF-style: chr9-98677966-G-A.
Other names: c.805G>A, p.Val269Ile (NM_001375293.1, NM_001375294.1, NM_001010895.4 and 2 more transcripts); short protein forms V269I.
Identifiers: ClinVar variation 4618766 (VCV004618766.1).